The following is an entry in ClinVar:

ClinVar aggregate classification (germline): Uncertain significance. Review status: criteria provided, multiple submitters, no conflicts (2 of 4 stars). 3 submissions from 3 submitters: Uncertain significance (3). Last evaluated 2025-01-06.

Conditions:
Hereditary cancer-predisposing syndrome. Also called: Tumor predisposition; Hereditary neoplastic syndrome; Hereditary Cancer Syndrome; Neoplastic Syndromes, Hereditary. Identifiers: Orphanet 140162, MedGen C0027672, MeSH D009386, MONDO:0015356.
Bloom syndrome (BLM). Also called: Bloom-Torre-Machacek syndrome. Identifiers: Orphanet 125, MedGen C0005859, MONDO:0008876, OMIM 210900.

Allele frequency attached by ClinVar (database versions not stated): TOPMed below 0.00001; gnomAD 0.00001.
gnomAD v4.1: 1 of 1,613,440 alleles (0.000062%); highest among the groups gnomAD compares: African/African-American, 0.0013%; no homozygotes.

Submissions (3):

GeneDx
Classification: Uncertain significance. Last evaluated: 2025-01-06. Review status: criteria provided, single submitter. Criteria: GeneDx Variant Classification Process June 2021. Collection method: clinical testing. Allele origin: germline. Affected: yes.
Comment: Not observed at significant frequency in large population cohorts (gnomAD); In silico analysis supports that this missense variant has a deleterious effect on protein structure/function; Has not been previously published as pathogenic or benign to our knowledge

Ambry Genetics
Classification: Uncertain significance for Hereditary cancer-predisposing syndrome. Last evaluated: 2023-11-22. Review status: criteria provided, single submitter. Criteria: Ambry Variant Classification Scheme 2023. Collection method: clinical testing. Allele origin: germline.
Comment: The p.G891R variant (also known as c.2671G>A), located in coding exon 13 of the BLM gene, results from a G to A substitution at nucleotide position 2671. The glycine at codon 891 is replaced by arginine, an amino acid with dissimilar properties. This amino acid position is highly conserved in available vertebrate species. In addition, this alteration is predicted to be deleterious by in silico analysis. Since supporting evidence is limited at this time, the clinical significance of this alteration remains unclear.

Labcorp Genetics (formerly Invitae), Labcorp
Classification: Uncertain significance for Bloom syndrome. Last evaluated: 2023-11-21. Review status: criteria provided, single submitter. Criteria: Invitae Variant Classification Sherloc (09022015). Collection method: clinical testing. Allele origin: germline.
Comment: This sequence change replaces glycine, which is neutral and non-polar, with arginine, which is basic and polar, at codon 891 of the BLM protein (p.Gly891Arg). This variant is not present in population databases (gnomAD no frequency). This variant has not been reported in the literature in individuals affected with BLM-related conditions. Advanced modeling of protein sequence and biophysical properties (such as structural, functional, and spatial information, amino acid conservation, physicochemical variation, residue mobility, and thermodynamic stability) performed at Invitae indicates that this missense variant is expected to disrupt BLM protein function with a positive predictive value of 80%. In summary, the available evidence is currently insufficient to determine the role of this variant in disease. Therefore, it has been classified as a Variant of Uncertain Significance.

NM_000057.4(BLM):c.2671G>A (p.Gly891Arg)

Gene: BLM (BLM RecQ like helicase; plus strand). Cytogenetic location: 15q26.1.
Variant type: single nucleotide variant.
Coding change: c.2671G>A on transcript NM_000057.4 (MANE Select); coding-DNA position 2671, G replaced by A.
Protein change: p.Gly891Arg; replaces glycine 891 with arginine.
Molecular consequence: missense variant.
Genome position (GRCh38, 1-based): chr15:90,784,929, G>A. VCF-style: chr15-90784929-G-A. GRCh37 (hg19) VCF-style: chr15-91328159-G-A.
Other names: c.2671G>A, p.Gly891Arg (NM_001287246.2, NM_001287247.2); c.1546G>A, p.Gly516Arg (NM_001287248.2); short protein forms G516R, G891R.
Identifiers: ClinVar variation 2962162 (VCV002962162.5), dbSNP rs1391076273, ClinGen allele CA393845861.
Genomic context (GRCh38, chr15:90,784,929, plus strand): 5'-TTTTGTTTATGTTAAAAATTCTTGTTTCTCAGTACTCTTGGTTTCTTGGCAGATGATTCA[G>A]GGATAATTTACTGCCTCTCCAGGCGAGAATGTGACACCATGGCTGACACGTTACAGAGAG-3'
Protein context (NP_000048.1, residues 881-901): WIRKHHPYDS[Gly891Arg]IIYCLSRREC